The following is an entry in ClinVar:

ClinVar aggregate classification (germline): Uncertain significance (1 of 4 stars; one submission).

Conditions:
Mitochondrial hypertrophic cardiomyopathy with lactic acidosis due to MTO1 deficiency. Also called: Combined oxidative phosphorylation deficiency 10; CARDIOMYOPATHY, INFANTILE HYPERTROPHIC MITOCHONDRIAL, AND LACTIC ACIDOSIS. Identifiers: Orphanet 314637, MedGen C4749921, MONDO:0013865, OMIM 614702.

Allele frequency attached by ClinVar (database versions not stated): TOPMed below 0.00001; ExAC 0.00001.

Submission:

Labcorp Genetics (formerly Invitae), Labcorp
Classification: Uncertain significance for Mitochondrial hypertrophic cardiomyopathy with lactic acidosis due to MTO1 deficiency. Last evaluated: 2022-01-16. Review status: criteria provided, single submitter. Criteria: Invitae Variant Classification Sherloc (09022015). Collection method: clinical testing. Allele origin: germline.
Comment: This sequence change replaces lysine, which is basic and polar, with asparagine, which is neutral and polar, at codon 255 of the MTO1 protein (p.Lys255Asn). This variant is present in population databases (rs755383037, gnomAD 0.0009%). This variant has not been reported in the literature in individuals affected with MTO1-related conditions. Algorithms developed to predict the effect of missense changes on protein structure and function (SIFT, PolyPhen-2, Align-GVGD) all suggest that this variant is likely to be tolerated. In summary, the available evidence is currently insufficient to determine the role of this variant in disease. Therefore, it has been classified as a Variant of Uncertain Significance.

NM_012123.4(MTO1):c.765G>C (p.Lys255Asn)

Gene: MTO1 (mitochondrial tRNA translation optimization 1; plus strand). Cytogenetic location: 6q13.
Variant type: single nucleotide variant.
Coding change: c.765G>C on transcript NM_012123.4 (MANE Select); coding-DNA position 765, G replaced by C.
Protein change: p.Lys255Asn; replaces lysine 255 with asparagine.
Molecular consequence: missense variant.
Genome position (GRCh38, 1-based): chr6:73,473,594, G>C. VCF-style: chr6-73473594-G-C. GRCh37 (hg19) VCF-style: chr6-74183317-G-C.
Other names: c.765G>C, p.Lys255Asn (NM_001123226.2, NM_133645.3); short protein forms K255N.
Identifiers: ClinVar variation 2051715 (VCV002051715.1), dbSNP rs755383037, ClinGen allele CA3889438.